The following is an entry in ClinVar:

NM_153252.5(BRWD3):c.4994G>A (p.Trp1665Ter)

Gene: BRWD3 (bromodomain and WD repeat domain containing 3; minus strand). Cytogenetic location: Xq21.1.
Variant type: single nucleotide variant.
Coding change: c.4994G>A on transcript NM_153252.5 (MANE Select); coding-DNA position 4994, G replaced by A.
Protein change: p.Trp1665Ter; replaces tryptophan 1665 with a stop codon.
Molecular consequence: nonsense.
Genome position (GRCh38, 1-based): chrX:80,677,024, C>T on the plus strand (G>A on the coding strand, the complement: BRWD3 is on the minus strand). VCF-style: chrX-80677024-C-T. GRCh37 (hg19) VCF-style: chrX-79932523-C-T.
Other names: short protein forms W1665*.
Identifiers: ClinVar variation 451460 (VCV000451460.2), dbSNP rs1555961746, ClinGen allele CA413746817.

ClinVar aggregate classification (germline): Uncertain significance (1 of 4 stars; one submission).

Submission:

GeneDx
Classification: Uncertain significance. Last evaluated: 2017-08-18. Review status: criteria provided, single submitter. Criteria: GeneDx Variant Classification (06012015). Collection method: clinical testing. Allele origin: germline. Affected: yes.
Comment: The W1665X variant in the BRWD3 gene has not been reported previously as a pathogenic variant nor as a benign variant, to our knowledge. This variant is predicted to cause loss of normal protein function through protein truncation with the loss of the last 138 residues. The W1665X variant is not observed in large population cohorts (Lek et al., 2016; 1000 Genomes Consortium et al., 2015; Exome Variant Server). We interpret W1665X as a variant of uncertain significance